The following is an entry in ClinVar:

ClinVar aggregate classification (germline): Conflicting classifications of pathogenicity. Review status: criteria provided, conflicting classifications (1 of 4 stars). 3 submissions from 3 submitters: Pathogenic (1); Uncertain significance (2). Last evaluated 2025-07-13.

Conditions:
Hereditary cancer-predisposing syndrome. Also called: Hereditary neoplastic syndrome; Neoplastic Syndromes, Hereditary; Hereditary Cancer Syndrome; Tumor predisposition. Identifiers: Orphanet 140162, MedGen C0027672, MeSH D009386, MONDO:0015356.
Fumarase deficiency (FMRD). Also called: Fumaric aciduria; Fumarate Hydratase Deficiency. Identifiers: Orphanet 24, MedGen C0342770, MONDO:0011730, OMIM 606812.

Submissions (3):

Labcorp Genetics (formerly Invitae), Labcorp
Classification: Pathogenic. Last evaluated: 2025-07-13. Review status: criteria provided, single submitter. Criteria: Invitae Variant Classification Sherloc (09022015). Collection method: clinical testing. Allele origin: germline.
Comment: This sequence change replaces arginine, which is basic and polar, with glycine, which is neutral and non-polar, at codon 444 of the FH protein (p.Arg444Gly). This variant is not present in population databases (gnomAD no frequency). This missense change has been observed in individual(s) with autosomal recessive fumarate hydratase deficiency (PMID: 33052056). ClinVar contains an entry for this variant (Variation ID: 573932). Invitae Evidence Modeling of protein sequence and biophysical properties (such as structural, functional, and spatial information, amino acid conservation, physicochemical variation, residue mobility, and thermodynamic stability) indicates that this missense variant is expected to disrupt FH protein function with a positive predictive value of 95%. For these reasons, this variant has been classified as Pathogenic.

Ambry Genetics
Classification: Uncertain significance for Hereditary cancer-predisposing syndrome. Last evaluated: 2024-04-03. Review status: criteria provided, single submitter. Criteria: Ambry Variant Classification Scheme 2023. Collection method: clinical testing. Allele origin: germline.
Comment: The p.R444G variant (also known as c.1330A>G), located in coding exon 9 of the FH gene, results from an A to G substitution at nucleotide position 1330. The arginine at codon 444 is replaced by glycine, an amino acid with dissimilar properties. This alteration was identified as homozygous in a in a patient with fumarate hydratase deficiency (Peetsold M et al. J Child Neurol, 2020 Oct;:883073820962931). This amino acid position is highly conserved in available vertebrate species. In addition, this alteration is predicted to be deleterious by in silico analysis. Based on the majority of available evidence to date, this alteration is classified as likely pathogenic in association with autosomal recessive FH deficiency when present along with a second pathogenic or likely pathogenic variant on the other allele; however, the clinical significance for autosomal dominant HLRCC is unclear.

Institute of Medical Genetics and Applied Genomics, University Hospital Tübingen
Classification: Uncertain significance for Fumarase deficiency. Last evaluated: 2022-12-08. Review status: criteria provided, single submitter. Criteria: ACMG Guidelines, 2015. Collection method: clinical testing. Allele origin: germline. Inheritance: Autosomal recessive inheritance. Affected: yes.

Literature cited by the submitters: PubMed 33052056 (cited by Labcorp Genetics (formerly Invitae), Labcorp and Ambry Genetics).

NM_000143.4(FH):c.1330A>G (p.Arg444Gly)

Gene: FH (fumarate hydratase; minus strand). Cytogenetic location: 1q43.
Variant type: single nucleotide variant.
Coding change: c.1330A>G on transcript NM_000143.4 (MANE Select); coding-DNA position 1330, A replaced by G.
Protein change: p.Arg444Gly; replaces arginine 444 with glycine.
Molecular consequence: missense variant.
Genome position (GRCh38, 1-based): chr1:241,500,497, T>C on the plus strand (A>G on the coding strand, the complement: FH is on the minus strand). VCF-style: chr1-241500497-T-C. GRCh37 (hg19) VCF-style: chr1-241663797-T-C.
Other names: short protein forms R444G.
Identifiers: ClinVar variation 573932 (VCV000573932.9), dbSNP rs749266351, ClinGen allele CA345436556.
Genomic context (GRCh38, chr1:241,500,497, plus strand): 5'-CTATATGAGGATTGAGAGCTGTCACCAACATTAGAGACTCATTCATCAGCTTGTTGATCC[T>C]TTCTGTATTGGCCTGGATTCCCACCACGCAGTTTTCTGTAAAGGAAACTGAAGCATCCCC-3'
Protein context (NP_000134.2, residues 434-454): CVVGIQANTE[Arg444Gly]INKLMNESLM